The following is an entry in ClinVar:

ClinVar aggregate classification (germline): Benign/Likely benign. Review status: criteria provided, multiple submitters, no conflicts (2 of 4 stars). 3 submissions from 3 submitters: Benign (1); Likely benign (2). Last evaluated 2025-01-23.

Conditions:
Familial melanoma. Also called: Hereditary melanoma; Hereditary cutaneous melanoma. Identifiers: Orphanet 618, MedGen C1512419, MONDO:0018961.
Melanoma, cutaneous malignant, susceptibility to, 3. Also called: Cutaneous malignant melanoma 3. Identifiers: Orphanet 618, MedGen C1836892, MONDO:0012183, OMIM 609048.
Hereditary cancer-predisposing syndrome. Also called: Hereditary Cancer Syndrome; Tumor predisposition; Hereditary neoplastic syndrome; Neoplastic Syndromes, Hereditary. Identifiers: Orphanet 140162, MedGen C0027672, MeSH D009386, MONDO:0015356.

Submissions (3):

Ambry Genetics
Classification: Likely benign for Hereditary cancer-predisposing syndrome. Last evaluated: 2025-01-23. Review status: criteria provided, single submitter. Criteria: Ambry Variant Classification Scheme 2023. Collection method: clinical testing. Allele origin: germline.

Labcorp Genetics (formerly Invitae), Labcorp
Classification: Likely benign for Familial melanoma. Last evaluated: 2024-10-21. Review status: criteria provided, single submitter. Criteria: Invitae Variant Classification Sherloc (09022015). Collection method: clinical testing. Allele origin: germline.

Myriad Genetics, Inc.
Classification: Benign for Melanoma, cutaneous malignant, susceptibility to, 3. Last evaluated: 2024-09-24. Review status: criteria provided, single submitter. Criteria: Myriad Autosomal Dominant, Autosomal Recessive and X-Linked Classification Criteria (2023). Collection method: clinical testing. Allele origin: unknown.
Comment: This variant is considered benign. This variant is a silent/synonymous amino acid change and it is not expected to impact splicing.

NM_000075.4(CDK4):c.198T>C (p.Phe66=)

Genes: CDK4 (cyclin dependent kinase 4; minus strand), LOC130008148 (ATAC-STARR-seq lymphoblastoid silent region 4588; plus strand). Cytogenetic location: 12q14.1.
Variant type: single nucleotide variant.
Coding change: c.198T>C on transcript NM_000075.4 (MANE Select); coding-DNA position 198, T replaced by C.
Protein change: p.Phe66=; no amino-acid change (phenylalanine 66 retained).
Molecular consequence: synonymous variant.
Genome position (GRCh38, 1-based): chr12:57,751,520, A>G on the plus strand (T>C on the coding strand, the complement: CDK4 is on the minus strand). VCF-style: chr12-57751520-A-G. GRCh37 (hg19) VCF-style: chr12-58145303-A-G.
Identifiers: ClinVar variation 721932 (VCV000721932.13), dbSNP rs1595110954, ClinGen allele CA480404683.